The following is an entry in ClinVar:

ClinVar aggregate classification (germline): Uncertain significance. Review status: criteria provided, multiple submitters, no conflicts (2 of 4 stars). 3 submissions from 3 submitters: Uncertain significance (3). Last evaluated 2025-10-21.

Allele frequency attached by ClinVar (database versions not stated): gnomAD exomes 0.00006 and 0.00010; ExAC 0.00007; gnomAD 0.00010 and 0.00011; TOPMed 0.00010; ESP Exome Variant Server 0.00015.
gnomAD v4.1: 161 of 1,614,072 alleles (0.01%); highest among the groups gnomAD compares: Non-Finnish European, 0.013%; no homozygotes.

Submissions (3):

Mayo Clinic Laboratories, Mayo Clinic
Classification: Uncertain significance. Last evaluated: 2025-10-21. Review status: criteria provided, single submitter. Criteria: ACMG Guidelines, 2015. Collection method: clinical testing. Allele origin: germline. Observed: 2 variant alleles.
Comment: BP4_moderate, PM2_supporting

GeneDx
Classification: Uncertain significance. Last evaluated: 2024-09-03. Review status: criteria provided, single submitter. Criteria: GeneDx Variant Classification Process June 2021. Collection method: clinical testing. Allele origin: germline. Affected: yes.
Comment: Not observed at significant frequency in large population cohorts (gnomAD); In silico analysis indicates that this missense variant does not alter protein structure/function; Has not been previously published as pathogenic or benign to our knowledge

Labcorp Genetics (formerly Invitae), Labcorp
Classification: Uncertain significance. Last evaluated: 2022-07-12. Review status: criteria provided, single submitter. Criteria: Invitae Variant Classification Sherloc (09022015). Collection method: clinical testing. Allele origin: germline.
Comment: In summary, the available evidence is currently insufficient to determine the role of this variant in disease. Therefore, it has been classified as a Variant of Uncertain Significance. Algorithms developed to predict the effect of missense changes on protein structure and function (SIFT, PolyPhen-2, Align-GVGD) all suggest that this variant is likely to be tolerated. ClinVar contains an entry for this variant (Variation ID: 215315). This variant has not been reported in the literature in individuals affected with TUFM-related conditions. This variant is present in population databases (rs149786169, gnomAD 0.01%). This sequence change replaces glycine, which is neutral and non-polar, with aspartic acid, which is acidic and polar, at codon 455 of the TUFM protein (p.Gly455Asp).

NM_003321.5(TUFM):c.1364G>A (p.Gly455Asp)

Gene: TUFM (Tu translation elongation factor, mitochondrial; minus strand). Cytogenetic location: 16p11.2.
Variant type: single nucleotide variant.
Coding change: c.1364G>A on transcript NM_003321.5 (MANE Select); coding-DNA position 1364, G replaced by A.
Protein change: p.Gly455Asp; replaces glycine 455 with aspartic acid.
Molecular consequence: missense variant.
Genome position (GRCh38, 1-based): chr16:28,842,979, C>T on the plus strand (G>A on the coding strand, the complement: TUFM is on the minus strand). VCF-style: chr16-28842979-C-T. GRCh37 (hg19) VCF-style: chr16-28854300-C-T.
Other names: p.Gly455Asp; c.1280G>A, p.Gly427Asp (NM_001365360.2); short protein forms G455D, G427D.
Identifiers: ClinVar variation 215315 (VCV000215315.11), dbSNP rs149786169, ClinGen allele CA323538.